The following is an entry in ClinVar:

NM_033026.6(PCLO):c.8086A>G (p.Ile2696Val)

Gene: PCLO (piccolo presynaptic cytomatrix protein; minus strand). Cytogenetic location: 7q21.11.
Variant type: single nucleotide variant.
Coding change: c.8086A>G on transcript NM_033026.6 (MANE Select); coding-DNA position 8086, A replaced by G.
Protein change: p.Ile2696Val; replaces isoleucine 2696 with valine.
Molecular consequence: missense variant.
Genome position (GRCh38, 1-based): chr7:82,952,867, T>C on the plus strand (A>G on the coding strand, the complement: PCLO is on the minus strand). VCF-style: chr7-82952867-T-C. GRCh37 (hg19) VCF-style: chr7-82582183-T-C.
Other names: c.8086A>G, p.Ile2696Val (NM_014510.3); c.8086A>G (NM_033026.5); short protein forms I2696V.
Identifiers: ClinVar variation 1516520 (VCV001516520.7), dbSNP rs376472657, ClinGen allele CA4320185.

ClinVar aggregate classification (germline): Uncertain significance. Review status: criteria provided, multiple submitters, no conflicts (2 of 4 stars). 2 submissions from 2 submitters: Uncertain significance (2). Last evaluated 2024-12-14.

Conditions:
Inborn genetic diseases. Identifiers: MedGen C0950123, MeSH D030342.

Allele frequency attached by ClinVar (database versions not stated): gnomAD 0.00001 and 0.00004; gnomAD exomes 0.00001 and 0.00004; TOPMed 0.00002; 1000 Genomes Project 30x 0.00031; 1000 Genomes Project 0.00040.
gnomAD v4.1: 31 of 1,613,958 alleles (0.0019%); highest among the groups gnomAD compares: East Asian, 0.033%; no homozygotes.

Submissions (2):

Ambry Genetics
Classification: Uncertain significance for Inborn genetic diseases. Last evaluated: 2024-12-14. Review status: criteria provided, single submitter. Criteria: Ambry Variant Classification Scheme 2023. Collection method: clinical testing. Allele origin: germline.

Labcorp Genetics (formerly Invitae), Labcorp
Classification: Uncertain significance. Last evaluated: 2024-01-24. Review status: criteria provided, single submitter. Criteria: Invitae Variant Classification Sherloc (09022015). Collection method: clinical testing. Allele origin: germline.
Comment: This sequence change replaces isoleucine, which is neutral and non-polar, with valine, which is neutral and non-polar, at codon 2696 of the PCLO protein (p.Ile2696Val). This variant is present in population databases (rs376472657, gnomAD 0.06%). This variant has not been reported in the literature in individuals affected with PCLO-related conditions. ClinVar contains an entry for this variant (Variation ID: 1516520). Algorithms developed to predict the effect of missense changes on protein structure and function output the following: SIFT: "Not Available"; PolyPhen-2: "Not Available"; Align-GVGD: "Not Available". The valine amino acid residue is found in multiple mammalian species, which suggests that this missense change does not adversely affect protein function. In summary, the available evidence is currently insufficient to determine the role of this variant in disease. Therefore, it has been classified as a Variant of Uncertain Significance.